The following is an entry in ClinVar:

ClinVar aggregate classification (germline): Conflicting classifications of pathogenicity. Review status: criteria provided, conflicting classifications (1 of 4 stars). 6 submissions from 6 submitters: Uncertain significance (1); Likely benign (4). 1 of the submissions does not count toward it. Last evaluated 2025-08-11.

Conditions:
Autosomal recessive nonsyndromic hearing loss 1A (DFNB1A). Also called: Deafness nonsyndromic, Connexin 26 linked; GJB6-Related DFNB 1 Nonsyndromic Hearing Loss and Deafness; Deafness, autosomal recessive 1A; Connexin 26 deafness; GJB2-Related Autosomal Recessive Nonsyndromic Hearing Loss; Nonsyndromic Hearing Loss and Deafness, DFNB1. Identifiers: Orphanet 90636, MedGen C2673759, MONDO:0009076, OMIM 220290.
Autosomal dominant nonsyndromic hearing loss 3B. Identifiers: Orphanet 90635, MedGen C2675237, MONDO:0012975, OMIM 612643.
Hidrotic ectodermal dysplasia syndrome (GJB6). Also called: ECTODERMAL DYSPLASIA 2, CLOUSTON TYPE; Ectodermal dysplasia 2, hidrotic; Autosomal dominant hidrotic ectodermal dysplasia; Clouston syndrome; Clouston's hidrotic ectodermal dysplasia; CLOUSTON HIDROTIC ECTODERMAL DYSPLASIA. Identifiers: Orphanet 189, MedGen C0162361, MONDO:0007510, OMIM 129500.
Autosomal recessive nonsyndromic hearing loss 1B. Also called: DEAFNESS, AUTOSOMAL RECESSIVE 1B. Identifiers: Orphanet 90636, MedGen C2675235, MONDO:0012977, OMIM 612645.
GJB6-related disorder. Also called: GJB6-related disorders.

Allele frequency attached by ClinVar (database versions not stated): gnomAD exomes 0.00021; ExAC 0.00023; 1000 Genomes Project 0.00040; 1000 Genomes Project 30x 0.00047; gnomAD 0.00051 and 0.00056; TOPMed 0.00055; ESP Exome Variant Server 0.00062.
gnomAD v4.1: 378 of 1,613,688 alleles (0.023%); highest among the groups gnomAD compares: African/African-American, 0.15%; no homozygotes.

Submissions (6):

Labcorp Genetics (formerly Invitae), Labcorp
Classification: Likely benign for Autosomal dominant nonsyndromic hearing loss 3B; Hidrotic ectodermal dysplasia syndrome; Autosomal recessive nonsyndromic hearing loss 1B; Autosomal recessive nonsyndromic hearing loss 1A. Last evaluated: 2025-08-11. Review status: criteria provided, single submitter. Criteria: Invitae Variant Classification Sherloc (09022015). Collection method: clinical testing. Allele origin: germline.

Blueprint Genetics
Classification: Likely benign. Last evaluated: 2023-11-13. Review status: criteria provided, single submitter. Criteria: ACMG Guidelines, 2015. Collection method: clinical testing. Allele origin: germline.

GeneDx
Classification: Likely benign. Last evaluated: 2021-01-26. Review status: criteria provided, single submitter. Criteria: GeneDx Variant Classification Process June 2021. Collection method: clinical testing. Allele origin: germline. Affected: yes.

Illumina Laboratory Services, Illumina
Classification: Uncertain significance for Hidrotic ectodermal dysplasia syndrome. Last evaluated: 2018-01-13. Review status: criteria provided, single submitter. Criteria: ICSL Variant Classification Criteria 13 December 2019. Collection method: clinical testing. Allele origin: germline.

Laboratory for Molecular Medicine, Mass General Brigham Personalized Medicine
Classification: Likely benign. Last evaluated: 2017-04-28. Review status: criteria provided, single submitter. Criteria: LMM Criteria. Collection method: clinical testing. Allele origin: germline. Observed: 1 variant allele.
Comment: p.Thr135Thr in exon 03 of GJB6: This variant is not expected to have clinical si gnificance because it does not alter an amino acid residue, is not located withi n the splice consensus sequence, and has been identified in 0.2% (38/24034) of A frican chromosomes by the Genome Aggregation Database (gnomAD; dbSNP rs145438428).

PreventionGenetics, part of Exact Sciences
Classification: Likely benign for GJB6-related condition. Last evaluated: 2019-07-23. Review status: no assertion criteria provided. Collection method: clinical testing. Allele origin: germline. Not counted in ClinVar's aggregate classification.
Comment: This variant is classified as likely benign based on ACMG/AMP sequence variant interpretation guidelines (Richards et al. 2015 PMID: 25741868, with internal and published modifications).

NM_001110219.3(GJB6):c.405G>A (p.Thr135=)

Gene: GJB6 (gap junction protein beta 6; minus strand). Cytogenetic location: 13q12.11.
Variant type: single nucleotide variant.
Coding change: c.405G>A on transcript NM_001110219.3 (MANE Select); coding-DNA position 405, G replaced by A.
Protein change: p.Thr135=; no amino-acid change (threonine 135 retained).
Molecular consequence: synonymous variant.
Genome position (GRCh38, 1-based): chr13:20,223,076, C>T on the plus strand (G>A on the coding strand, the complement: GJB6 is on the minus strand). VCF-style: chr13-20223076-C-T. GRCh37 (hg19) VCF-style: chr13-20797215-C-T.
Other names: c.405G>A, p.Thr135= (NM_001110220.3, NM_001110221.3, NM_001370090.1 and 3 more transcripts); c.405G>A (NM_001110219.2).
Identifiers: ClinVar variation 311381 (VCV000311381.20), dbSNP rs145438428, ClinGen allele CA6904444.
Genomic context (GRCh38, chr13:20,223,076, plus strand): 5'-GTAAAACACATACATAAAGGCTGCTTCAAAGATGATTCGGAAAAAGATGCTGCTGGTGTA[C>T]GTCCACCACAGCGACCCCTCTATCCGAACCTTCTGCTTTTTAATGTCCTCTATGTCTTTG-3'
Protein context (NP_001103689.1, residues 125-145): KVRIEGSLWW[Thr135=]YTSSIFFRII